The following is an entry in ClinVar:

ClinVar aggregate classification (germline): Uncertain significance (1 of 4 stars; one submission).

Conditions:
Rubinstein-Taybi syndrome (RSTS). Identifiers: Orphanet 783, MedGen C0035934, MONDO:0019188.

Allele frequency attached by ClinVar (database versions not stated): gnomAD exomes below 0.00001.
gnomAD v4.1: 5 of 1,613,272 alleles (0.00031%); highest among the groups gnomAD compares: Non-Finnish European, 0.00042%; no homozygotes.

Submission:

Labcorp Genetics (formerly Invitae), Labcorp
Classification: Uncertain significance for Rubinstein-Taybi syndrome. Last evaluated: 2023-06-21. Review status: criteria provided, single submitter. Criteria: Invitae Variant Classification Sherloc (09022015). Collection method: clinical testing. Allele origin: germline.
Comment: This sequence change replaces proline, which is neutral and non-polar, with threonine, which is neutral and polar, at codon 560 of the CREBBP protein (p.Pro560Thr). The frequency data for this variant in the population databases is considered unreliable, as metrics indicate poor data quality at this position in the gnomAD database. This variant has not been reported in the literature in individuals affected with CREBBP-related conditions. An algorithm developed to predict the effect of missense changes on protein structure and function (PolyPhen-2) suggests that this variant is likely to be disruptive. In summary, the available evidence is currently insufficient to determine the role of this variant in disease. Therefore, it has been classified as a Variant of Uncertain Significance.

NM_004380.3(CREBBP):c.1678C>A (p.Pro560Thr)

Gene: CREBBP (CREB binding lysine acetyltransferase; minus strand). Cytogenetic location: 16p13.3.
Variant type: single nucleotide variant.
Coding change: c.1678C>A on transcript NM_004380.3 (MANE Select); coding-DNA position 1678, C replaced by A.
Protein change: p.Pro560Thr; replaces proline 560 with threonine.
Molecular consequence: missense variant.
Genome position (GRCh38, 1-based): chr16:3,780,877, G>T on the plus strand (C>A on the coding strand, the complement: CREBBP is on the minus strand). VCF-style: chr16-3780877-G-T. GRCh37 (hg19) VCF-style: chr16-3830878-G-T.
Other names: c.1564C>A, p.Pro522Thr (NM_001079846.1); short protein forms P522T, P560T.
Identifiers: ClinVar variation 2739978 (VCV002739978.3), dbSNP rs1289234167, ClinGen allele CA394556759.